The following is an entry in ClinVar:

NM_019098.5(CNGB3):c.1937T>C (p.Leu646Ser)

Gene: CNGB3 (cyclic nucleotide gated channel subunit beta 3; minus strand). Cytogenetic location: 8q21.3.
Variant type: single nucleotide variant.
Coding change: c.1937T>C on transcript NM_019098.5 (MANE Select); coding-DNA position 1937, T replaced by C.
Protein change: p.Leu646Ser; replaces leucine 646 with serine.
Molecular consequence: missense variant.
Genome position (GRCh38, 1-based): chr8:86,578,855, A>G on the plus strand (T>C on the coding strand, the complement: CNGB3 is on the minus strand). VCF-style: chr8-86578855-A-G. GRCh37 (hg19) VCF-style: chr8-87591083-A-G.
Other names: short protein forms L646S.
Identifiers: ClinVar variation 1017495 (VCV001017495.7), dbSNP rs1821708346, ClinGen allele CA371447615.

ClinVar aggregate classification (germline): Uncertain significance (1 of 4 stars; one submission).

gnomAD v4.1: 1 of 1,614,176 alleles (0.000062%); highest among the groups gnomAD compares: Non-Finnish European, 0.000085%; no homozygotes.

Submission:

Labcorp Genetics (formerly Invitae), Labcorp
Classification: Uncertain significance. Last evaluated: 2021-05-04. Review status: criteria provided, single submitter. Criteria: Invitae Variant Classification Sherloc (09022015). Collection method: clinical testing. Allele origin: germline.
Comment: In summary, the available evidence is currently insufficient to determine the role of this variant in disease. Therefore, it has been classified as a Variant of Uncertain Significance. Algorithms developed to predict the effect of missense changes on protein structure and function are either unavailable or do not agree on the potential impact of this missense change (SIFT: "Deleterious"; PolyPhen-2: "Benign"; Align-GVGD: "Class C65"). This variant has not been reported in the literature in individuals with CNGB3-related conditions. This variant is not present in population databases (ExAC no frequency). This sequence change replaces leucine with serine at codon 646 of the CNGB3 protein (p.Leu646Ser). The leucine residue is highly conserved and there is a large physicochemical difference between leucine and serine.